The following is an entry in ClinVar:

ClinVar aggregate classification (germline): Uncertain significance (1 of 4 stars; one submission).

Conditions:
Tay-Sachs disease (TSD). Also called: HEXA DEFICIENCY; GM2 gangliosidosis, type 1; Hexosaminidase alpha-subunit deficiency (variant B); Sphingolipidosis, Tay-Sachs; Hexosaminidase A Deficiency; HEXA Disorders. Identifiers: Orphanet 845, MedGen C0039373, MONDO:0010100, OMIM 272800.

Allele frequency attached by ClinVar (database versions not stated): gnomAD exomes below 0.00001.
gnomAD v4.1: 4 of 1,614,232 alleles (0.00025%); highest among the groups gnomAD compares: Non-Finnish European, 0.00017%; no homozygotes.

Submission:

Labcorp Genetics (formerly Invitae), Labcorp
Classification: Uncertain significance for Tay-Sachs disease. Last evaluated: 2022-07-30. Review status: criteria provided, single submitter. Criteria: Invitae Variant Classification Sherloc (09022015). Collection method: clinical testing. Allele origin: germline.
Comment: In summary, the available evidence is currently insufficient to determine the role of this variant in disease. Therefore, it has been classified as a Variant of Uncertain Significance. Algorithms developed to predict the effect of missense changes on protein structure and function output the following: SIFT: "Tolerated"; PolyPhen-2: "Benign"; Align-GVGD: "Class C0". The valine amino acid residue is found in multiple mammalian species, which suggests that this missense change does not adversely affect protein function. ClinVar contains an entry for this variant (Variation ID: 1484927). This variant has not been reported in the literature in individuals affected with HEXA-related conditions. This variant is not present in population databases (gnomAD no frequency). This sequence change replaces phenylalanine, which is neutral and non-polar, with valine, which is neutral and non-polar, at codon 30 of the HEXA protein (p.Phe30Val).

NM_000520.6(HEXA):c.88T>G (p.Phe30Val)

Gene: HEXA (hexosaminidase subunit alpha; minus strand). Cytogenetic location: 15q23.
Variant type: single nucleotide variant.
Coding change: c.88T>G on transcript NM_000520.6 (MANE Select); coding-DNA position 88, T replaced by G.
Protein change: p.Phe30Val; replaces phenylalanine 30 with valine.
Molecular consequence: missense variant. On other transcripts: non-coding transcript variant (1).
Genome position (GRCh38, 1-based): chr15:72,375,885, A>C on the plus strand (T>G on the coding strand, the complement: HEXA is on the minus strand). VCF-style: chr15-72375885-A-C. GRCh37 (hg19) VCF-style: chr15-72668226-A-C.
Other names: c.88T>G, p.Phe30Val (NM_001318825.2); short protein forms F30V.
Identifiers: ClinVar variation 1484927 (VCV001484927.6), dbSNP rs2140344740, ClinGen allele CA393070584.